The following is an entry in ClinVar:

NM_001283009.2(RTEL1):c.3081C>T (p.Pro1027=)

Genes: RTEL1 (regulator of telomere elongation helicase 1; plus strand), RTEL1-TNFRSF6B (RTEL1-TNFRSF6B readthrough (NMD candidate); plus strand). Cytogenetic location: 20q13.33.
Variant type: single nucleotide variant.
Coding change: c.3081C>T on transcript NM_001283009.2 (MANE Select); coding-DNA position 3081, C replaced by T.
Protein change: p.Pro1027=; no amino-acid change (proline 1027 retained).
Molecular consequence: synonymous variant. On other transcripts: non-coding transcript variant (1).
Genome position (GRCh38, 1-based): chr20:63,694,460, C>T. VCF-style: chr20-63694460-C-T. GRCh37 (hg19) VCF-style: chr20-62325813-C-T.
Other names: c.2412C>T, p.Pro804= (NM_001283010.1); c.3081C>T, p.Pro1027= (NM_016434.4); c.3153C>T, p.Pro1051= (NM_032957.5).
Identifiers: ClinVar variation 761351 (VCV000761351.36), dbSNP rs1601194720, ClinGen allele CA511661452.

ClinVar aggregate classification (germline): Likely benign. Review status: criteria provided, multiple submitters, no conflicts (2 of 4 stars). 3 submissions from 3 submitters: Likely benign (3). Last evaluated 2025-01-20.

Conditions:
Dyskeratosis congenita, autosomal recessive 5 (DKCB5). Identifiers: MedGen C3554656, MONDO:0014076, OMIM 615190.
Pulmonary fibrosis and/or bone marrow failure, Telomere-related, 3. Also called: PULMONARY FIBROSIS AND/OR BONE MARROW FAILURE SYNDROME, TELOMERE-RELATED, 3. Identifiers: Orphanet 2032, MedGen C4225346, MONDO:0014613, OMIM 616373.
Inborn genetic diseases. Identifiers: MedGen C0950123, MeSH D030342.

Submissions (3):

Ambry Genetics
Classification: Likely benign for Inborn genetic diseases. Last evaluated: 2025-01-20. Review status: criteria provided, single submitter. Criteria: Ambry Variant Classification Scheme 2023. Collection method: clinical testing. Allele origin: germline.

Labcorp Genetics (formerly Invitae), Labcorp
Classification: Likely benign for Dyskeratosis congenita, autosomal recessive 5; Pulmonary fibrosis and/or bone marrow failure, Telomere-related, 3. Last evaluated: 2024-12-15. Review status: criteria provided, single submitter. Criteria: Invitae Variant Classification Sherloc (09022015). Collection method: clinical testing. Allele origin: germline.

CeGaT Center for Human Genetics Tuebingen
Classification: Likely benign. Last evaluated: 2022-06-01. Review status: criteria provided, single submitter. Criteria: CeGaT Center For Human Genetics Tuebingen Variant Classification Criteria Version 2. Collection method: clinical testing. Allele origin: germline. Affected: yes. Observed: 1 variant allele.
Comment: RTEL1: PM2:Supporting, BP4, BP7